The following is an entry in ClinVar:

NM_001005242.3(PKP2):c.725C>T (p.Thr242Met)

Gene: PKP2 (plakophilin 2; minus strand). Cytogenetic location: 12p11.21.
Variant type: single nucleotide variant.
Coding change: c.725C>T on transcript NM_001005242.3 (MANE Select); coding-DNA position 725, C replaced by T.
Protein change: p.Thr242Met; replaces threonine 242 with methionine.
Molecular consequence: missense variant.
Genome position (GRCh38, 1-based): chr12:32,878,155, G>A on the plus strand (C>T on the coding strand, the complement: PKP2 is on the minus strand). VCF-style: chr12-32878155-G-A. GRCh37 (hg19) VCF-style: chr12-33031089-G-A.
Other names: c.725C>T, p.Thr242Met (NM_004572.4); short protein forms T242M.
Identifiers: ClinVar variation 229147 (VCV000229147.33), dbSNP rs201580443, ClinGen allele CA038506.

ClinVar aggregate classification (germline): Conflicting classifications of pathogenicity. Review status: criteria provided, conflicting classifications (1 of 4 stars). 9 submissions from 9 submitters: Uncertain significance (1); Benign (1); Likely benign (5). 2 of the submissions do not count toward it. Last evaluated 2026-01-31.

Conditions:
Cardiovascular phenotype. Identifiers: MedGen CN230736.
Cardiomyopathy (CMYO). Also called: Cardiomyopathies. Identifiers: Orphanet 167848, MedGen C0878544, MONDO:0004994, HP:0001638. Inheritance: Various modes of inheritance.
Arrhythmogenic right ventricular dysplasia 9 (ARVD9). Also called: Arrhythmogenic Right Ventricular Dysplasia/Cardiomyopathy 9; ARRHYTHMOGENIC RIGHT VENTRICULAR DYSPLASIA, FAMILIAL, 9. Identifiers: MedGen C1836906, MONDO:0012180, OMIM 609040.

Allele frequency attached by ClinVar (database versions not stated): ExAC 0.00009; gnomAD exomes 0.00012 and 0.00005; TOPMed 0.00013; 1000 Genomes Project 30x 0.00016; 1000 Genomes Project 0.00020; gnomAD 0.00005 and 0.00006.
gnomAD v4.1: 80 of 1,614,236 alleles (0.005%); highest among the groups gnomAD compares: East Asian, 0.11%; 1 homozygote.

Submissions (9):

Labcorp Genetics (formerly Invitae), Labcorp
Classification: Likely benign for Arrhythmogenic right ventricular dysplasia 9. Last evaluated: 2026-01-31. Review status: criteria provided, single submitter. Criteria: Invitae Variant Classification Sherloc (09022015). Collection method: clinical testing. Allele origin: germline.

Blueprint Genetics
Classification: Likely benign. Last evaluated: 2024-09-19. Review status: criteria provided, single submitter. Criteria: ACMG Guidelines, 2015. Collection method: clinical testing. Allele origin: germline.

Ambry Genetics
Classification: Likely benign for Cardiovascular phenotype. Last evaluated: 2022-02-26. Review status: criteria provided, single submitter. Criteria: Ambry Variant Classification Scheme 2023. Collection method: clinical testing. Allele origin: germline.

Color Diagnostics, LLC DBA Color Health
Classification: Likely benign for Cardiomyopathy. Last evaluated: 2020-08-18. Review status: criteria provided, single submitter. Criteria: ACMG Guidelines, 2015. Collection method: clinical testing. Allele origin: germline.

GeneDx
Classification: Likely benign. Last evaluated: 2020-01-06. Review status: criteria provided, single submitter. Criteria: GeneDx Variant Classification Process June 2021. Collection method: clinical testing. Allele origin: germline. Affected: yes.
Comment: This variant is associated with the following publications: (PMID: 21636032, 30847666)

Laboratory for Molecular Medicine, Mass General Brigham Personalized Medicine
Classification: Benign. Last evaluated: 2019-10-18. Review status: criteria provided, single submitter. Criteria: LMM Criteria. Collection method: clinical testing. Allele origin: germline. Observed: 1 variant allele.
Comment: proposed classification - variant undergoing re-assessment, contact laboratory

Illumina Laboratory Services, Illumina
Classification: Uncertain significance for Arrhythmogenic right ventricular dysplasia 9. Last evaluated: 2017-04-27. Review status: criteria provided, single submitter. Criteria: ICSL Variant Classification Criteria 13 December 2019. Collection method: clinical testing. Allele origin: germline.
Comment: This variant was observed as part of a predisposition screen in an ostensibly healthy population. A literature search was performed for the gene, cDNA change, and amino acid change (where applicable). Publications were found based on this search. However, the evidence from the literature, in combination with allele frequency data from public databases where available, was not sufficient to rule this variant in or out of causing disease. Therefore, this variant is classified as a variant of unknown significance.

Clinical Genetics, Academic Medical Center
Classification: Likely benign. Review status: no assertion criteria provided. Collection method: clinical testing. Allele origin: germline. Affected: yes. Study: VKGL Data-share Consensus. Not counted in ClinVar's aggregate classification.

Joint Genome Diagnostic Labs from Nijmegen and Maastricht, Radboudumc and MUMC+
Classification: Likely benign. Review status: no assertion criteria provided. Collection method: clinical testing. Allele origin: germline. Affected: yes. Study: VKGL Data-share Consensus. Not counted in ClinVar's aggregate classification.

Literature cited by the submitters: PubMed 21636032 (cited by Ambry Genetics and Illumina Laboratory Services, Illumina); PubMed 29802319 (cited by Ambry Genetics); PubMed 30847666 (cited by Ambry Genetics).